The following is an entry in ClinVar:

NM_024409.4(NPPC):c.172G>T (p.Gly58Trp)

Gene: NPPC (natriuretic peptide C; minus strand). Cytogenetic location: 2q37.1.
Variant type: single nucleotide variant.
Coding change: c.172G>T on transcript NM_024409.4 (MANE Select); coding-DNA position 172, G replaced by T.
Protein change: p.Gly58Trp; replaces glycine 58 with tryptophan.
Molecular consequence: missense variant.
Genome position (GRCh38, 1-based): chr2:231,925,634, C>A on the plus strand (G>T on the coding strand, the complement: NPPC is on the minus strand). VCF-style: chr2-231925634-C-A. GRCh37 (hg19) VCF-style: chr2-232790344-C-A.
Other names: short protein forms G58W.
Identifiers: ClinVar variation 2996032 (VCV002996032.3), dbSNP rs13305993, ClinGen allele CA2163637.

ClinVar aggregate classification (germline): Uncertain significance (1 of 4 stars; one submission).

gnomAD v4.1: 2 of 1,607,264 alleles (0.00012%); highest among the groups gnomAD compares: African/African-American, 0.0013%; no homozygotes.

Submission:

Labcorp Genetics (formerly Invitae), Labcorp
Classification: Uncertain significance. Last evaluated: 2024-11-07. Review status: criteria provided, single submitter. Criteria: Invitae Variant Classification Sherloc (09022015). Collection method: clinical testing. Allele origin: germline.
Comment: This sequence change replaces glycine, which is neutral and non-polar, with tryptophan, which is neutral and slightly polar, at codon 58 of the NPPC protein (p.Gly58Trp). The frequency data for this variant in the population databases is considered unreliable, as metrics indicate poor data quality at this position in the gnomAD database. This variant has not been reported in the literature in individuals affected with NPPC-related conditions. ClinVar contains an entry for this variant (Variation ID: 2996032). An algorithm developed to predict the effect of missense changes on protein structure and function (PolyPhen-2) suggests that this variant is likely to be disruptive. In summary, the available evidence is currently insufficient to determine the role of this variant in disease. Therefore, it has been classified as a Variant of Uncertain Significance.